The following is an entry in ClinVar:

NM_000702.4(ATP1A2):c.1859C>G (p.Thr620Arg)

Gene: ATP1A2 (ATPase Na+/K+ transporting subunit alpha 2; plus strand). Cytogenetic location: 1q23.2.
Variant type: single nucleotide variant.
Coding change: c.1859C>G on transcript NM_000702.4 (MANE Select); coding-DNA position 1859, C replaced by G.
Protein change: p.Thr620Arg; replaces threonine 620 with arginine.
Molecular consequence: missense variant.
Genome position (GRCh38, 1-based): chr1:160,134,515, C>G. VCF-style: chr1-160134515-C-G. GRCh37 (hg19) VCF-style: chr1-160104305-C-G.
Other names: p.Thr620Arg; short protein forms T620R.
Identifiers: ClinVar variation 384176 (VCV000384176.17), dbSNP rs1057521886, ClinGen allele CA16603500.

ClinVar aggregate classification (germline): Uncertain significance. Review status: criteria provided, multiple submitters, no conflicts (2 of 4 stars). 5 submissions from 5 submitters: Uncertain significance (5). Last evaluated 2026-09-10.

Conditions:
Fetal akinesia, respiratory insufficiency, microcephaly, polymicrogyria, and dysmorphic facies. Identifiers: MedGen C5562015, MONDO:0859204, OMIM 619602.
Developmental and epileptic encephalopathy 98. Identifiers: MedGen C5562017, MONDO:0030472, OMIM 619605.
Migraine, familial hemiplegic, 2. Identifiers: Orphanet 569, MedGen C1865322, MONDO:0011232, OMIM 602481.
Alternating hemiplegia of childhood 1 (AHC1). Identifiers: Orphanet 2131, MedGen C3549447, MONDO:0007087, OMIM 104290.
Inborn genetic diseases. Identifiers: MedGen C0950123, MeSH D030342.
Familial hemiplegic migraine. Identifiers: MedGen C0338484, MONDO:0000700.

Submissions (5):

Ambry Genetics
Classification: Uncertain significance for Inborn genetic diseases. Last evaluated: 2026-09-10. Review status: criteria provided, single submitter. Criteria: Ambry Variant Classification Scheme 2023. Collection method: clinical testing. Allele origin: germline.
Comment: The c.1859C>G (p.T620R) alteration is located in exon 14 (coding exon 14) of the ATP1A2 gene. This alteration results from a C to G substitution at nucleotide position 1859, causing the threonine (T) at amino acid position 620 to be replaced by an arginine (R). This variant was not reported in population-based cohorts in the Genome Aggregation Database (gnomAD). This amino acid position is highly conserved in available vertebrate species. This alteration is predicted to be deleterious by in silico analysis. Based on insufficient or conflicting evidence, the clinical significance of this alteration remains unclear.

GeneDx
Classification: Uncertain significance. Last evaluated: 2024-11-07. Review status: criteria provided, single submitter. Criteria: GeneDx Variant Classification Process June 2021. Collection method: clinical testing. Allele origin: germline. Affected: yes.
Comment: Not observed at significant frequency in large population cohorts (gnomAD); In silico analysis supports that this missense variant has a deleterious effect on protein structure/function; Has not been previously published as pathogenic or benign to our knowledge; This variant is associated with the following publications: (PMID: 18184292)

Labcorp Genetics (formerly Invitae), Labcorp
Classification: Uncertain significance for Familial hemiplegic migraine. Last evaluated: 2024-06-10. Review status: criteria provided, single submitter. Criteria: Invitae Variant Classification Sherloc (09022015). Collection method: clinical testing. Allele origin: germline.
Comment: This sequence change replaces threonine, which is neutral and polar, with arginine, which is basic and polar, at codon 620 of the ATP1A2 protein (p.Thr620Arg). This variant is not present in population databases (gnomAD no frequency). This missense change has been observed in individual(s) with hemiplegic migraine (Invitae). ClinVar contains an entry for this variant (Variation ID: 384176). Advanced modeling of protein sequence and biophysical properties (such as structural, functional, and spatial information, amino acid conservation, physicochemical variation, residue mobility, and thermodynamic stability) performed at Invitae indicates that this missense variant is expected to disrupt ATP1A2 protein function with a positive predictive value of 80%. In summary, the available evidence is currently insufficient to determine the role of this variant in disease. Therefore, it has been classified as a Variant of Uncertain Significance.

Mayo Clinic Laboratories, Mayo Clinic
Classification: Uncertain significance. Last evaluated: 2023-11-28. Review status: criteria provided, single submitter. Criteria: ACMG Guidelines, 2015. Collection method: clinical testing. Allele origin: germline. Observed: 1 variant allele.
Comment: PP2, PP3, PM2_moderate

Fulgent Genetics
Classification: Uncertain significance for Alternating hemiplegia of childhood 1; Migraine, familial hemiplegic, 2; Fetal akinesia, respiratory insufficiency, microcephaly, polymicrogyria, and dysmorphic facies; Developmental and epileptic encephalopathy 98. Last evaluated: 2022-04-01. Review status: criteria provided, single submitter. Criteria: ACMG Guidelines, 2015. Collection method: clinical testing. Allele origin: unknown.